The following is an entry in ClinVar:

NM_001868.4(CPA1):c.794G>A (p.Gly265Glu)

Gene: CPA1 (carboxypeptidase A1; plus strand). Cytogenetic location: 7q32.2.
Variant type: single nucleotide variant.
Coding change: c.794G>A on transcript NM_001868.4 (MANE Select); coding-DNA position 794, G replaced by A.
Protein change: p.Gly265Glu; replaces glycine 265 with glutamic acid.
Molecular consequence: missense variant.
Genome position (GRCh38, 1-based): chr7:130,385,152, G>A. VCF-style: chr7-130385152-G-A. GRCh37 (hg19) VCF-style: chr7-130024993-G-A.
Other names: short protein forms G265E.
Identifiers: ClinVar variation 1761354 (VCV001761354.3), dbSNP rs2536012007, ClinGen allele CA369283193.

ClinVar aggregate classification (germline): Uncertain significance (1 of 4 stars; one submission).

Conditions:
Hereditary pancreatitis (PCTT). Also called: Hereditary chronic pancreatitis; PRSS1-Related Hereditary Pancreatitis. Identifiers: Orphanet 676, MedGen C0238339, MONDO:0008185, OMIM 167800.

Submission:

Ambry Genetics
Classification: Uncertain significance for Hereditary pancreatitis. Last evaluated: 2025-05-24. Review status: criteria provided, single submitter. Criteria: Ambry Variant Classification Scheme 2023. Collection method: clinical testing. Allele origin: germline.
Comment: The p.G265E variant (also known as c.794G>A), located in coding exon 8 of the CPA1 gene, results from a G to A substitution at nucleotide position 794. The glycine at codon 265 is replaced by glutamic acid, an amino acid with similar properties. This amino acid position is conserved. In addition, the in silico prediction for this alteration is inconclusive. Since supporting evidence is limited at this time, the clinical significance of this alteration remains unclear.